The following is an entry in ClinVar:

NM_005419.4(STAT2):c.904G>A (p.Ala302Thr)

Gene: STAT2 (signal transducer and activator of transcription 2; minus strand). Cytogenetic location: 12q13.3.
Variant type: single nucleotide variant.
Coding change: c.904G>A on transcript NM_005419.4 (MANE Select); coding-DNA position 904, G replaced by A.
Protein change: p.Ala302Thr; replaces alanine 302 with threonine.
Molecular consequence: missense variant.
Genome position (GRCh38, 1-based): chr12:56,351,329, C>T on the plus strand (G>A on the coding strand, the complement: STAT2 is on the minus strand). VCF-style: chr12-56351329-C-T. GRCh37 (hg19) VCF-style: chr12-56745113-C-T.
Other names: c.892G>A, p.Ala298Thr (NM_198332.2); short protein forms A298T, A302T.
Identifiers: ClinVar variation 859938 (VCV000859938.6), dbSNP rs141205552, ClinGen allele CA6630733.

ClinVar aggregate classification (germline): Uncertain significance. Review status: criteria provided, multiple submitters, no conflicts (2 of 4 stars). 2 submissions from 2 submitters: Uncertain significance (2). Last evaluated 2024-08-20.

Conditions:
Inborn genetic diseases. Identifiers: MedGen C0950123, MeSH D030342.
Primary immunodeficiency with post-measles-mumps-rubella vaccine viral infection. Also called: Immunodeficiency 44. Identifiers: Orphanet 431166, MedGen C4225260, MONDO:0014715, OMIM 616636.

Allele frequency attached by ClinVar (database versions not stated): TOPMed 0.00009; gnomAD 0.00011; 1000 Genomes Project 30x 0.00016; 1000 Genomes Project 0.00020; gnomAD exomes 0.00001 and 0.00006; ExAC 0.00006; ESP Exome Variant Server 0.00008.
gnomAD v4.1: 38 of 1,614,124 alleles (0.0024%); highest among the groups gnomAD compares: African/African-American, 0.027%; no homozygotes.

Submissions (2):

Ambry Genetics
Classification: Uncertain significance for Inborn genetic diseases. Last evaluated: 2024-08-20. Review status: criteria provided, single submitter. Criteria: Ambry Variant Classification Scheme 2023. Collection method: clinical testing. Allele origin: germline.

Labcorp Genetics (formerly Invitae), Labcorp
Classification: Uncertain significance for Primary immunodeficiency with post-measles-mumps-rubella vaccine viral infection. Last evaluated: 2021-10-16. Review status: criteria provided, single submitter. Criteria: Invitae Variant Classification Sherloc (09022015). Collection method: clinical testing. Allele origin: germline.
Comment: This sequence change replaces alanine with threonine at codon 302 of the STAT2 protein (p.Ala302Thr). The alanine residue is moderately conserved and there is a small physicochemical difference between alanine and threonine. This variant is present in population databases (rs141205552, ExAC 0.05%). This variant has not been reported in the literature in individuals affected with STAT2-related conditions. Algorithms developed to predict the effect of missense changes on protein structure and function are either unavailable or do not agree on the potential impact of this missense change (SIFT: "Tolerated"; PolyPhen-2: "Possibly Damaging"; Align-GVGD: "Class C0"). In summary, the available evidence is currently insufficient to determine the role of this variant in disease. Therefore, it has been classified as a Variant of Uncertain Significance.